The following is an entry in ClinVar:

NM_004839.4(HOMER2):c.651+9G>A

Gene: HOMER2 (homer scaffold protein 2; minus strand). Cytogenetic location: 15q25.2.
Variant type: single nucleotide variant.
Coding change: c.651+9G>A on transcript NM_004839.4 (MANE Select); 9 bases into the intron after coding-DNA position 651, G replaced by A.
Molecular consequence: intron variant.
Genome position (GRCh38, 1-based): chr15:82,854,635, C>T on the plus strand (G>A on the coding strand, the complement: HOMER2 is on the minus strand). VCF-style: chr15-82854635-C-T. GRCh37 (hg19) VCF-style: chr15-83523387-C-T.
Other names: p.?; c.684+9G>A (NM_199330.3).
Identifiers: ClinVar variation 508119 (VCV000508119.14), dbSNP rs2306428, ClinGen allele CA7702065.
Genomic context (GRCh38, chr15:82,854,635, plus strand): 5'-TGTGGGTGCCCCCATCTCCCACTGCCCACACCAGCTGGCCTCGGGGCTCACTGCATCCAC[C>T]GTACCCACCTTGTTGCGGAGCCGGTCATTCTCATCACGGCAGATGGAGAACTGCCTCTTC-3'

ClinVar aggregate classification (germline): Benign. Review status: criteria provided, multiple submitters, no conflicts (2 of 4 stars). 5 submissions from 5 submitters: Benign (5). Last evaluated 2026-02-01.

Allele frequency attached by ClinVar (database versions not stated): ESP Exome Variant Server 0.08448; ExAC 0.09367; gnomAD exomes 0.09515; gnomAD 0.09727 and 0.09749; TOPMed 0.10416; 1000 Genomes Project 0.12640; 1000 Genomes Project 30x 0.12773.
gnomAD v4.1: 133,153 of 1,608,334 alleles (8.3%); highest among the groups gnomAD compares: East Asian, 22%; 6,492 homozygotes.

Submissions (5):

Labcorp Genetics (formerly Invitae), Labcorp
Classification: Benign. Last evaluated: 2026-02-01. Review status: criteria provided, single submitter. Criteria: Invitae Variant Classification Sherloc (09022015). Collection method: clinical testing. Allele origin: germline.

Mayo Clinic Laboratories, Mayo Clinic
Classification: Benign. Last evaluated: 2020-10-20. Review status: criteria provided, single submitter. Criteria: ACMG Guidelines, 2015. Collection method: clinical testing. Allele origin: germline. Observed: 28 variant alleles.

Eurofins Ntd Llc (ga)
Classification: Benign. Last evaluated: 2018-09-11. Review status: criteria provided, single submitter. Criteria: EGL ClinVar v180209 classification definitions. Collection method: clinical testing. Allele origin: germline. Observed: 2 variant alleles, 2 heterozygotes.

GeneDx
Classification: Benign. Last evaluated: 2017-05-10. Review status: criteria provided, single submitter. Criteria: GeneDx Variant Classification (06012015). Collection method: clinical testing. Allele origin: germline. Affected: yes.
Comment: This variant is considered likely benign or benign based on one or more of the following criteria: it is a conservative change, it occurs at a poorly conserved position in the protein, it is predicted to be benign by multiple in silico algorithms, and/or has population frequency not consistent with disease.

Breakthrough Genomics
Classification: Benign. Review status: criteria provided, single submitter. Criteria: ACMG Guidelines, 2015. Collection method: not provided. Allele origin: germline. Inheritance: Autosomal dominant inheritance. Affected: yes.